The following is an entry in ClinVar:

ClinVar aggregate classification (germline): Uncertain significance (1 of 4 stars; one submission).

Conditions:
Inborn genetic diseases. Identifiers: MedGen C0950123, MeSH D030342.

Allele frequency attached by ClinVar (database versions not stated): TOPMed below 0.00001; gnomAD 0.00001.
gnomAD v4.1: 1 of 1,613,988 alleles (0.000062%); highest among the groups gnomAD compares: Non-Finnish European, 0.000085%; no homozygotes.

Submission:

Ambry Genetics
Classification: Uncertain significance for Inborn genetic diseases. Last evaluated: 2024-06-23. Review status: criteria provided, single submitter. Criteria: Ambry Variant Classification Scheme 2023. Collection method: clinical testing. Allele origin: germline.
Comment: The p.S541I variant (also known as c.1622G>T), located in coding exon 17 of the ERCC2 gene, results from a G to T substitution at nucleotide position 1622. The serine at codon 541 is replaced by isoleucine, an amino acid with dissimilar properties. This amino acid position is conserved. In addition, this alteration is predicted to be deleterious by in silico analysis. Since supporting evidence is limited at this time, the clinical significance of this alteration remains unclear.

NM_000400.4(ERCC2):c.1622G>T (p.Ser541Ile)

Gene: ERCC2 (ERCC excision repair 2, TFIIH core complex helicase subunit; minus strand). Cytogenetic location: 19q13.32.
Variant type: single nucleotide variant.
Coding change: c.1622G>T on transcript NM_000400.4 (MANE Select); coding-DNA position 1622, G replaced by T.
Protein change: p.Ser541Ile; replaces serine 541 with isoleucine.
Molecular consequence: missense variant.
Genome position (GRCh38, 1-based): chr19:45,354,773, C>A on the plus strand (G>T on the coding strand, the complement: ERCC2 is on the minus strand). VCF-style: chr19-45354773-C-A. GRCh37 (hg19) VCF-style: chr19-45858031-C-A.
Other names: short protein forms S541I.
Identifiers: ClinVar variation 1776634 (VCV001776634.3), dbSNP rs1475484723, ClinGen allele CA406365314.
Genomic context (GRCh38, chr19:45,354,773, plus strand): 5'-GGGGTGGCCAGGCGTACCTGCTCATACCAGGAGGCCACGGTGCTCTCCATGTACTGGTAG[C>A]TGGTGAAGAAGGCCACGATGCCATCAGGGACCACAGCGGACATCTCCAGCAGGAGGTTCC-3'
Protein context (NP_000391.1, residues 531-551): VPDGIVAFFT[Ser541Ile]YQYMESTVAS